The following is an entry in ClinVar:

ClinVar aggregate classification (germline): Uncertain significance. Review status: criteria provided, multiple submitters, no conflicts (2 of 4 stars). 3 submissions from 3 submitters: Uncertain significance (3). Last evaluated 2024-04-25.

Conditions:
Hereditary cancer-predisposing syndrome. Also called: Tumor predisposition; Hereditary neoplastic syndrome; Neoplastic Syndromes, Hereditary; Hereditary Cancer Syndrome. Identifiers: Orphanet 140162, MedGen C0027672, MeSH D009386, MONDO:0015356.
Fanconi anemia (FA). Also called: Fanconi's anemia. Identifiers: Orphanet 84, MedGen C0015625, MeSH D005199, MONDO:0019391.
Fanconi anemia complementation group C (FANCC). Also called: FANCONI PANCYTOPENIA, TYPE 3; FACC; FANCC-Related Fanconi Anemia; Fanconi anemia, group C. Identifiers: Orphanet 84, MedGen C3468041, MONDO:0009213, OMIM 227645.

Allele frequency attached by ClinVar (database versions not stated): TOPMed below 0.00001; gnomAD exomes 0.00001.
gnomAD v4.1: 4 of 1,614,078 alleles (0.00025%); highest among the groups gnomAD compares: Non-Finnish European, 0.00034%; no homozygotes.

Submissions (3):

Labcorp Genetics (formerly Invitae), Labcorp
Classification: Uncertain significance for Fanconi anemia. Last evaluated: 2024-04-25. Review status: criteria provided, single submitter. Criteria: Invitae Variant Classification Sherloc (09022015). Collection method: clinical testing. Allele origin: germline.
Comment: This sequence change replaces leucine, which is neutral and non-polar, with histidine, which is basic and polar, at codon 453 of the FANCC protein (p.Leu453His). This variant is present in population databases (no rsID available, gnomAD 0.002%). This variant has not been reported in the literature in individuals affected with FANCC-related conditions. ClinVar contains an entry for this variant (Variation ID: 818997). Advanced modeling of protein sequence and biophysical properties (such as structural, functional, and spatial information, amino acid conservation, physicochemical variation, residue mobility, and thermodynamic stability) performed at Invitae indicates that this missense variant is expected to disrupt FANCC protein function with a positive predictive value of 80%. In summary, the available evidence is currently insufficient to determine the role of this variant in disease. Therefore, it has been classified as a Variant of Uncertain Significance.

Ambry Genetics
Classification: Uncertain significance for Hereditary cancer-predisposing syndrome. Last evaluated: 2023-10-13. Review status: criteria provided, single submitter. Criteria: Ambry Variant Classification Scheme 2023. Collection method: clinical testing. Allele origin: germline.

Fulgent Genetics
Classification: Uncertain significance for Fanconi anemia complementation group C. Last evaluated: 2021-07-11. Review status: criteria provided, single submitter. Criteria: ACMG Guidelines, 2015. Collection method: clinical testing. Allele origin: unknown.

NM_000136.3(FANCC):c.1358T>A (p.Leu453His)

Genes: AOPEP (aminopeptidase O (putative); plus strand), FANCC (FA complementation group C; minus strand). Cytogenetic location: 9q22.32.
Variant type: single nucleotide variant.
Coding change: c.1358T>A on transcript NM_000136.3 (MANE Select); coding-DNA position 1358, T replaced by A.
Protein change: p.Leu453His; replaces leucine 453 with histidine.
Molecular consequence: missense variant.
Genome position (GRCh38, 1-based): chr9:95,107,241, A>T on the plus strand (T>A on the coding strand, the complement: FANCC is on the minus strand). VCF-style: chr9-95107241-A-T. GRCh37 (hg19) VCF-style: chr9-97869523-A-T.
Other names: c.1358T>A, p.Leu453His (NM_001243743.2); short protein forms L453H.
Identifiers: ClinVar variation 818997 (VCV000818997.14), dbSNP rs1490551416, ClinGen allele CA374106240.
Genomic context (GRCh38, chr9:95,107,241, plus strand): 5'-TGTCCTGCTACCGTCTGCAGGTCCTGGGCTGAGAGGCTGCTGCTTCTGGACATTGCCAGG[A>T]GGTGGCCCAGCACGGCCTTCACCTGGACCTGGGCAATAGTATTTCACAGGGGAGAGGTTA-3'
Protein context (NP_000127.2, residues 443-463): MVQVKAVLGH[Leu453His]LAMSRSSSLS